The following is an entry in ClinVar:

ClinVar aggregate classification (germline): Benign (1 of 4 stars; one submission).

Submission:

GeneDx
Classification: Benign. Last evaluated: 2018-06-14. Review status: criteria provided, single submitter. Criteria: GeneDx Variant Classification (06012015). Collection method: clinical testing. Allele origin: germline. Affected: yes.
Comment: This variant is considered likely benign or benign based on one or more of the following criteria: it is a conservative change, it occurs at a poorly conserved position in the protein, it is predicted to be benign by multiple in silico algorithms, and/or has population frequency not consistent with disease.

NM_001267550.2(TTN):c.46697-176CAA[3]

Genes: TTN-AS1 (TTN antisense RNA 1; plus strand), TTN (titin; minus strand). Cytogenetic location: 2q31.2.
Variant type: Microsatellite.
Coding change: c.46697-176CAA[3] on transcript NM_001267550.2 (MANE Select); three copies in a row of the 3-base unit CAA starting at c.46697-176; the reference has four copies in a row; one copy, 3 bases deleted.
Molecular consequence: intron variant.
Genome position (GRCh38, 1-based): chr2:178,619,018-178,619,020, TTG deleted on the plus strand (CAA on the coding strand, the reverse complement: TTN is on the minus strand); deleting any 3 consecutive bases within chr2:178,619,018-178,619,030 gives the same sequence; the position shown is the placement nearest the transcript's 3' end. VCF-style (leftmost placement, unchanged base first): chr2-178619017-TTTG-T. GRCh37 (hg19) VCF-style: chr2-179483744-TTTG-T.
Other names: c.19502-176CAA[3] (NM_003319.4); c.20078-176CAA[3] (NM_133437.4); c.19877-176CAA[3] (NM_133432.3); c.38993-176CAA[3] (NM_133378.4); c.41774-176CAA[3] (NM_001256850.1); c.41774-167_41774-165delCAA (NM_001256850.1).
Identifiers: ClinVar variation 675455 (VCV000675455.1), dbSNP rs148909508, ClinGen allele CA60991164.
Genomic context (GRCh38, chr2:178,619,017, plus strand): 5'-AAGTAAGCTACAGTAACTTTATAGCAGAGAAAACTAAGTGGCTTAGAGTTCTCATAGCTT[TTTG>T]TTGTTGTTGTGCGTGCAAATTAGATTGGAGAGTAGAGGATTGAGAATGGCATAAAATCAT-3'